The following is an entry in ClinVar:

NM_001197104.2(KMT2A):c.7343C>A (p.Ser2448Tyr)

Gene: KMT2A (lysine methyltransferase 2A; plus strand). Cytogenetic location: 11q23.3.
Variant type: single nucleotide variant.
Coding change: c.7343C>A on transcript NM_001197104.2 (MANE Select); coding-DNA position 7343, C replaced by A.
Protein change: p.Ser2448Tyr; replaces serine 2448 with tyrosine.
Molecular consequence: missense variant.
Genome position (GRCh38, 1-based): chr11:118,503,235, C>A. VCF-style: chr11-118503235-C-A. GRCh37 (hg19) VCF-style: chr11-118373950-C-A.
Other names: c.7433C>A, p.Ser2478Tyr (NM_001412597.1); c.7334C>A, p.Ser2445Tyr (NM_005933.4); short protein forms S2448Y, S2478Y, S2445Y.
Identifiers: ClinVar variation 2128182 (VCV002128182.4), dbSNP rs2496997950, ClinGen allele CA382805193.

ClinVar aggregate classification (germline): Uncertain significance (1 of 4 stars; one submission).

Submission:

Labcorp Genetics (formerly Invitae), Labcorp
Classification: Uncertain significance. Last evaluated: 2025-08-11. Review status: criteria provided, single submitter. Criteria: Invitae Variant Classification Sherloc (09022015). Collection method: clinical testing. Allele origin: germline.
Comment: This sequence change replaces serine, which is neutral and polar, with tyrosine, which is neutral and polar, at codon 2448 of the KMT2A protein (p.Ser2448Tyr). This variant is not present in population databases (gnomAD no frequency). This variant has not been reported in the literature in individuals affected with KMT2A-related conditions. ClinVar contains an entry for this variant (Variation ID: 2128182). Invitae Evidence Modeling of protein sequence and biophysical properties (such as structural, functional, and spatial information, amino acid conservation, physicochemical variation, residue mobility, and thermodynamic stability) indicates that this missense variant is not expected to disrupt KMT2A protein function with a negative predictive value of 95%. In summary, the available evidence is currently insufficient to determine the role of this variant in disease. Therefore, it has been classified as a Variant of Uncertain Significance.